The following is an entry in ClinVar:

ClinVar aggregate classification (germline): Uncertain significance (1 of 4 stars; one submission).

Conditions:
Congenital contractural arachnodactyly (CCA). Also called: BEALS SYNDROME; Beals-Hecht syndrome; Arthrogryposis, distal, type 9. Identifiers: Orphanet 115, MedGen C0220668, MONDO:0007363, OMIM 121050.

Submission:

Labcorp Genetics (formerly Invitae), Labcorp
Classification: Uncertain significance for Congenital contractural arachnodactyly. Last evaluated: 2020-08-27. Review status: criteria provided, single submitter. Criteria: Invitae Variant Classification Sherloc (09022015). Collection method: clinical testing. Allele origin: germline.
Comment: In summary, the available evidence is currently insufficient to determine the role of this variant in disease. Therefore, it has been classified as a Variant of Uncertain Significance. Advanced modeling of protein sequence and biophysical properties (such as structural, functional, and spatial information, amino acid conservation, physicochemical variation, residue mobility, and thermodynamic stability) performed at Invitae indicates that this missense variant is not expected to disrupt FBN2 protein function. This variant has not been reported in the literature in individuals with FBN2-related conditions. This variant is not present in population databases (ExAC no frequency). This sequence change replaces arginine with glycine at codon 1111 of the FBN2 protein (p.Arg1111Gly). The arginine residue is moderately conserved and there is a moderate physicochemical difference between arginine and glycine.

NM_001999.4(FBN2):c.3331A>G (p.Arg1111Gly)

Gene: FBN2 (fibrillin 2; minus strand). Cytogenetic location: 5q23.3.
Variant type: single nucleotide variant.
Coding change: c.3331A>G on transcript NM_001999.4 (MANE Select); coding-DNA position 3331, A replaced by G.
Protein change: p.Arg1111Gly; replaces arginine 1111 with glycine.
Molecular consequence: missense variant.
Genome position (GRCh38, 1-based): chr5:128,344,397, T>C on the plus strand (A>G on the coding strand, the complement: FBN2 is on the minus strand). VCF-style: chr5-128344397-T-C. GRCh37 (hg19) VCF-style: chr5-127680089-T-C.
Other names: short protein forms R1111G.
Identifiers: ClinVar variation 1024812 (VCV001024812.9), dbSNP rs1751112929, ClinGen allele CA360761683.